The following is an entry in ClinVar:

NM_177438.3(DICER1):c.1699G>C (p.Asp567His)

Gene: DICER1 (dicer 1, ribonuclease III; minus strand). Cytogenetic location: 14q32.13.
Variant type: single nucleotide variant.
Coding change: c.1699G>C on transcript NM_177438.3 (MANE Select); coding-DNA position 1699, G replaced by C.
Protein change: p.Asp567His; replaces aspartic acid 567 with histidine.
Molecular consequence: missense variant.
Genome position (GRCh38, 1-based): chr14:95,116,506, C>G on the plus strand (G>C on the coding strand, the complement: DICER1 is on the minus strand). VCF-style: chr14-95116506-C-G. GRCh37 (hg19) VCF-style: chr14-95582843-C-G.
Other names: c.1699G>C, p.Asp567His (NM_001195573.1, NM_001271282.3, NM_001291628.2 and 1 more transcripts); short protein forms D567H.
Identifiers: ClinVar variation 1462354 (VCV001462354.7), dbSNP rs2140123468, ClinGen allele CA390884768.

ClinVar aggregate classification (germline): Uncertain significance (1 of 4 stars; one submission).

Conditions:
DICER1-related tumor predisposition. Also called: DICER1-related pleuropulmonary blastoma cancer predisposition syndrome; DICER1 syndrome. Identifiers: Orphanet 284343, MedGen C3839822, MONDO:0100216.

Submission:

Labcorp Genetics (formerly Invitae), Labcorp
Classification: Uncertain significance for DICER1-related tumor predisposition. Last evaluated: 2021-10-19. Review status: criteria provided, single submitter. Criteria: Invitae Variant Classification Sherloc (09022015). Collection method: clinical testing. Allele origin: germline.
Comment: This variant has not been reported in the literature in individuals affected with DICER1-related conditions. This variant is not present in population databases (ExAC no frequency). This sequence change replaces aspartic acid with histidine at codon 567 of the DICER1 protein (p.Asp567His). The aspartic acid residue is moderately conserved and there is a moderate physicochemical difference between aspartic acid and histidine. Algorithms developed to predict the effect of missense changes on protein structure and function are either unavailable or do not agree on the potential impact of this missense change (SIFT: "Deleterious"; PolyPhen-2: "Possibly Damaging"; Align-GVGD: "Class C0"). In summary, the available evidence is currently insufficient to determine the role of this variant in disease. Therefore, it has been classified as a Variant of Uncertain Significance.